The following is an entry in ClinVar:

NM_001256789.3(CACNA1F):c.3942+9C>T

Gene: CACNA1F (calcium voltage-gated channel subunit alpha1 F; minus strand). Cytogenetic location: Xp11.23.
Variant type: single nucleotide variant.
Coding change: c.3942+9C>T on transcript NM_001256789.3 (MANE Select); 9 bases into the intron after coding-DNA position 3942, C replaced by T.
Molecular consequence: intron variant.
Genome position (GRCh38, 1-based): chrX:49,212,658, G>A on the plus strand (C>T on the coding strand, the complement: CACNA1F is on the minus strand). VCF-style: chrX-49212658-G-A. GRCh37 (hg19) VCF-style: chrX-49069118-G-A.
Other names: c.3975+9C>T (NM_005183.4, NM_005183.3); c.3780+9C>T (NM_001256790.3).
Identifiers: ClinVar variation 1650409 (VCV001650409.10), dbSNP rs375206258, ClinGen allele CA10410320.

ClinVar aggregate classification (germline): Likely benign. Review status: criteria provided, multiple submitters, no conflicts (2 of 4 stars). 3 submissions from 3 submitters: Likely benign (3). Last evaluated 2025-08-14.

Conditions:
CACNA1F-related disorder. Also called: CACNA1F-related condition.

Allele frequency attached by ClinVar (database versions not stated): gnomAD exomes 0.00003 and 0.00008; TOPMed 0.00003; ExAC 0.00008; ESP Exome Variant Server 0.00009.
gnomAD v4.1: 99 of 1,209,412 alleles (0.0082%); highest among the groups gnomAD compares: Non-Finnish European, 0.0097%; no homozygotes.

Submissions (3):

Labcorp Genetics (formerly Invitae), Labcorp
Classification: Likely benign. Last evaluated: 2025-08-14. Review status: criteria provided, single submitter. Criteria: Invitae Variant Classification Sherloc (09022015). Collection method: clinical testing. Allele origin: germline.

PreventionGenetics, part of Exact Sciences
Classification: Likely benign for CACNA1F-related condition. Last evaluated: 2025-04-07. Review status: criteria provided, single submitter. Criteria: ACMG Guidelines, 2015. Collection method: clinical testing. Allele origin: germline.
Comment: This variant is classified as likely benign based on ACMG/AMP sequence variant interpretation guidelines (Richards et al. 2015 PMID: 25741868, with internal and published modifications).

Blueprint Genetics
Classification: Likely benign. Last evaluated: 2023-03-08. Review status: criteria provided, single submitter. Criteria: ACMG Guidelines, 2015. Collection method: clinical testing. Allele origin: germline.